The following is an entry in ClinVar:

NM_000554.6(CRX):c.594_606del (p.Ser199fs)

Gene: CRX (cone-rod homeobox; plus strand). Cytogenetic location: 19q13.33.
Variant type: Deletion.
Coding change: c.594_606del on transcript NM_000554.6 (MANE Select); coding-DNA positions 594 to 606, 13 bases deleted (CTCCGCTTTCTGC).
Protein change: p.Ser199fs; shifts the reading frame from serine 199.
Molecular consequence: frameshift variant.
Genome position (GRCh38, 1-based): chr19:47,839,661-47,839,673, CTCCGCTTTCTGC deleted; deleting any 13 consecutive bases within chr19:47,839,659-47,839,673 gives the same sequence; the c. name uses the placement nearest the transcript's 3' end. VCF-style (leftmost placement, unchanged base first): chr19-47839658-GGCCTCCGCTTTCT-G. GRCh37 (hg19) VCF-style: chr19-48342915-GGCCTCCGCTTTCT-G.
Other names: short protein forms S199fs.
Identifiers: ClinVar variation 839142 (VCV000839142.12), dbSNP rs1968169319, ClinGen allele CA916083703.

ClinVar aggregate classification (germline): Pathogenic. Review status: criteria provided, multiple submitters, no conflicts (2 of 4 stars). 2 submissions from 2 submitters: Pathogenic (2). Last evaluated 2024-04-22.

Conditions:
CRX-related disorders.
Leber congenital amaurosis 7 (LCA7). Identifiers: Orphanet 65, MedGen C3151192, MONDO:0013449, OMIM 613829.
Cone-rod dystrophy 2 (CORD2). Also called: CONE-ROD RETINAL DYSTROPHY; Cone-rod retinal dystrophy 2. Identifiers: Orphanet 1872, MedGen C3489532, MONDO:0007362, OMIM 120970.

Submissions (2):

Labcorp Genetics (formerly Invitae), Labcorp
Classification: Pathogenic for Cone-rod dystrophy 2; Leber congenital amaurosis 7. Last evaluated: 2024-04-22. Review status: criteria provided, single submitter. Criteria: Invitae Variant Classification Sherloc (09022015). Collection method: clinical testing. Allele origin: germline.
Comment: This sequence change creates a premature translational stop signal (p.Ser199Leufs*16) in the CRX gene. While this is not anticipated to result in nonsense mediated decay, it is expected to disrupt the last 101 amino acid(s) of the CRX protein. This variant is not present in population databases (gnomAD no frequency). This variant has not been reported in the literature in individuals affected with CRX-related conditions. ClinVar contains an entry for this variant (Variation ID: 839142). This variant disrupts a region of the CRX protein in which other variant(s) (p.Tyr258*) have been determined to be pathogenic (PMID: 22968130, 25270190). This suggests that this is a clinically significant region of the protein, and that variants that disrupt it are likely to be disease-causing. For these reasons, this variant has been classified as Pathogenic.

Blueprint Genetics
Classification: Pathogenic for CRX-related disorders. Last evaluated: 2019-08-15. Review status: criteria provided, single submitter. Criteria: ACMG Guidelines, 2015. Collection method: clinical testing. Allele origin: germline. Affected: yes. Observed: 3 variant alleles.

Literature cited by the submitters: PubMed 22968130 (cited by Labcorp Genetics (formerly Invitae), Labcorp); PubMed 25270190 (cited by Labcorp Genetics (formerly Invitae), Labcorp).